The following is an entry in ClinVar:

ClinVar aggregate classification (germline): Uncertain significance (1 of 4 stars; one submission).

Conditions:
Hypertrophic cardiomyopathy 9. Also called: Familial hypertrophic cardiomyopathy 9. Identifiers: MedGen C1861065, MONDO:0013412, OMIM 613765.

Allele frequency attached by ClinVar (database versions not stated): gnomAD 0.00001; gnomAD exomes 0.00001; TOPMed 0.00001; ExAC 0.00003.
gnomAD v4.1: 10 of 1,609,830 alleles (0.00062%); highest among the groups gnomAD compares: South Asian, 0.0077%; no homozygotes.

Submission:

Neuberg Centre For Genomic Medicine, NCGM
Classification: Uncertain significance for Hypertrophic cardiomyopathy 9. Review status: criteria provided, single submitter. Criteria: ACMG Guidelines, 2015. Collection method: clinical testing. Allele origin: germline. Inheritance: Autosomal dominant inheritance. Affected: yes.
Comment: The missense variant c.31433C>G (p.Ala10478Gly) in the TTN gene has not been reported previously as a pathogenic variant nor as a benign variant, to our knowledge. This variant is reported with the allele frequency (0.001%) in the gnomAD Exomes. The amino acid Alanine at position 1047 is changed to a Glycine changing protein sequence and it might alter its composition and physico-chemical properties. The amino acid change p.Ala10478Gly in TTN is predicted as conserved by GERP++ and PhyloP across 100 vertebrates. For these reasons, this variant has been classified as Uncertain Significance.

NM_001267550.2(TTN):c.31433C>G (p.Ala10478Gly)

Gene: TTN (titin; minus strand). Cytogenetic location: 2q31.2.
Variant type: single nucleotide variant.
Coding change: c.31433C>G on transcript NM_001267550.2 (MANE Select); coding-DNA position 31433, C replaced by G.
Protein change: p.Ala10478Gly; replaces alanine 10478 with glycine.
Molecular consequence: missense variant. On other transcripts: intron variant (3).
Genome position (GRCh38, 1-based): chr2:178,694,002, G>C on the plus strand (C>G on the coding strand, the complement: TTN is on the minus strand). VCF-style: chr2-178694002-G-C. GRCh37 (hg19) VCF-style: chr2-179558729-G-C.
Other names: c.30482C>G, p.Ala10161Gly (NM_001256850.1); c.27701C>G, p.Ala9234Gly (NM_133378.4); c.13282+44080C>G (NM_003319.4); c.13858+44080C>G (NM_133437.4); c.13657+44080C>G (NM_133432.3); short protein forms A10161G, A10478G, A9234G.
Identifiers: ClinVar variation 3242037 (VCV003242037.1), dbSNP rs754235852.
Genomic context (GRCh38, chr2:178,694,002, plus strand): 5'-TCTGTGTGAGAAGCAAAGAACATCTTTTCTTCTGAAATAACCATCTTCTTTGTATGCACA[G>C]CTGGTACTTTAAAGAGAGTATTTCACATTAGTATTCCTTTTTTTTAGTACAAGACATCAG-3'
Protein context (NP_001254479.2, residues 10468-10488): QEEVIEVKVP[Ala10478Gly]VHTKKMVISE